The following is an entry in ClinVar:

ClinVar aggregate classification (germline): Likely pathogenic (1 of 4 stars; one submission).

Conditions:
Glycogen storage disease IXb (GSD9B). Also called: GLYCOGENOSIS OF LIVER AND MUSCLE, AUTOSOMAL RECESSIVE; GSD IXb; PHOSPHORYLASE KINASE DEFICIENCY OF LIVER AND MUSCLE, AUTOSOMAL RECESSIVE. Identifiers: Orphanet 79240, MedGen C0543514, MONDO:0009868, OMIM 261750.

Submission:

Labcorp Genetics (formerly Invitae), Labcorp
Classification: Likely pathogenic for Glycogen storage disease IXb. Last evaluated: 2023-05-09. Review status: criteria provided, single submitter. Criteria: Invitae Variant Classification Sherloc (09022015). Collection method: clinical testing. Allele origin: germline.
Comment: In summary, the currently available evidence indicates that the variant is pathogenic, but additional data are needed to prove that conclusively. Therefore, this variant has been classified as Likely Pathogenic. This variant has not been reported in the literature in individuals affected with PHKB-related conditions. This variant results in a copy number gain of the genomic region encompassing exon(s) 8-14 of the PHKB gene. While the exact position of this variant cannot be determined from the data, sub-genic copy number gains are generally in tandem (PMID: 25640679). This variant is predicted to be out-of-frame, and may result in an absent or disrupted protein product. Loss-of-function variants in PHKB are known to be pathogenic (PMID: 9215682, 9326319).

Literature cited by the submitters: PubMed 25640679; PubMed 9215682; PubMed 9326319.

NC_000016.9:g.(?_47614186)_(47644851_?)dup

Gene: PHKB (phosphorylase kinase regulatory subunit beta; plus strand). Cytogenetic location: 16q12.1.
Variant type: Duplication.
Identifiers: ClinVar variation 1495724 (VCV001495724.4).